The following is an entry in ClinVar:

NM_002458.3(MUC5B):c.5385C>T (p.Asp1795=)

Genes: MUC5B (mucin 5B, oligomeric mucus/gel-forming; plus strand), MUC5B-AS1 (MUC5B antisense RNA 1; minus strand). Cytogenetic location: 11p15.5.
Variant type: single nucleotide variant.
Coding change: c.5385C>T on transcript NM_002458.3 (MANE Select); coding-DNA position 5385, C replaced by T.
Protein change: p.Asp1795=; no amino-acid change (aspartic acid 1795 retained).
Molecular consequence: synonymous variant. On other transcripts: non-coding transcript variant (1).
Genome position (GRCh38, 1-based): chr11:1,242,265, C>T. VCF-style: chr11-1242265-C-T. GRCh37 (hg19) VCF-style: chr11-1263495-C-T.
Identifiers: ClinVar variation 2641202 (VCV002641202.24), dbSNP rs61746195, ClinGen allele CA5805667.

ClinVar aggregate classification (germline): Likely benign (1 of 4 stars; one submission).

Allele frequency attached by ClinVar (database versions not stated): 1000 Genomes Project 0.00060; ExAC 0.00086; ESP Exome Variant Server 0.00087; gnomAD 0.00098; TOPMed 0.00100; 1000 Genomes Project 30x 0.00109; gnomAD exomes 0.00122.
gnomAD v4.1: 1,935 of 1,613,888 alleles (0.12%); highest among the groups gnomAD compares: Middle Eastern, 0.23%; 3 homozygotes.

Submission:

CeGaT Center for Human Genetics Tuebingen
Classification: Likely benign. Last evaluated: 2023-03-01. Review status: criteria provided, single submitter. Criteria: CeGaT Center For Human Genetics Tuebingen Variant Classification Criteria Version 2. Collection method: clinical testing. Allele origin: germline. Affected: yes. Observed: 5 variant alleles.
Comment: MUC5B: BP4, BP7